The following is an entry in ClinVar:

ClinVar aggregate classification (germline): Benign (1 of 4 stars; one submission).

Allele frequency attached by ClinVar (database versions not stated): 1000 Genomes Project 30x 0.00890; 1000 Genomes Project 0.00899; ESP Exome Variant Server 0.01522; ExAC 0.01678.
gnomAD v4.1: 30,071 of 1,611,092 alleles (1.9%); highest among the groups gnomAD compares: Non-Finnish European, 2.1%; 379 homozygotes.

Submission:

CeGaT Center for Human Genetics Tuebingen
Classification: Benign. Last evaluated: 2025-12-01. Review status: criteria provided, single submitter. Criteria: CeGaT Center For Human Genetics Tuebingen Variant Classification Criteria Version 2. Collection method: clinical testing. Allele origin: germline. Affected: yes. Observed: 5 variant alleles.
Comment: AXIN1: BP4, BS1, BS2

NM_003502.4(AXIN1):c.1948G>A (p.Gly650Ser)

Gene: AXIN1 (axin 1; minus strand). Cytogenetic location: 16p13.3.
Variant type: single nucleotide variant.
Coding change: c.1948G>A on transcript NM_003502.4 (MANE Select); coding-DNA position 1948, G replaced by A.
Protein change: p.Gly650Ser; replaces glycine 650 with serine.
Molecular consequence: missense variant. On other transcripts: non-coding transcript variant (1).
Genome position (GRCh38, 1-based): chr16:297,063, C>T on the plus strand (G>A on the coding strand, the complement: AXIN1 is on the minus strand). VCF-style: chr16-297063-C-T. GRCh37 (hg19) VCF-style: chr16-347063-C-T.
Other names: c.1948G>A, p.Gly650Ser (NM_181050.3); short protein forms G650S.
Identifiers: ClinVar variation 2645784 (VCV002645784.24), dbSNP rs117208012, ClinGen allele CA7774029.
Genomic context (GRCh38, chr16:297,063, plus strand): 5'-GCCAGGGGTGGCAAAGCAGGCCCCACGAGGCTGGCTGCGTGCGGGGTGCTCACCCGTGGC[C>T]GGTCCTGCGGTGCCTGCTGATCTCCTTTTCCCCCTCAATGATCCACTGCATGATTTTCTG-3'
Protein context (NP_003493.1, residues 640-660): EKEISRHRRT[Gly650Ser]HGSSGTRKPQ